The following is an entry in ClinVar:

ClinVar aggregate classification (germline): Uncertain significance (1 of 4 stars; one submission).

Conditions:
Hereditary cancer-predisposing syndrome. Also called: Neoplastic Syndromes, Hereditary; Tumor predisposition; Hereditary Cancer Syndrome; Hereditary neoplastic syndrome. Identifiers: Orphanet 140162, MedGen C0027672, MeSH D009386, MONDO:0015356.

Submission:

Ambry Genetics
Classification: Uncertain significance for Hereditary cancer-predisposing syndrome. Last evaluated: 2026-02-25. Review status: criteria provided, single submitter. Criteria: Ambry Variant Classification Scheme 2023. Collection method: clinical testing. Allele origin: germline.
Comment: The c.1885_1886delGCinsAA variant, located in coding exon 17 of the POLE gene, results from an in-frame deletion of GC and insertion of AA at nucleotide positions 1885 to 1886. This results in the substitution of the alanine residue for an asparagine residue at codon 629, an amino acid with dissimilar properties. This amino acid position is highly conserved in available vertebrate species. In addition, the in silico prediction for this variant is inconclusive (Choi Y et al. PLoS ONE. 2012; 7(10):e46688). Based on the available evidence, the clinical significance of this variant remains unclear.

NM_006231.4(POLE):c.1885_1886delinsAA (p.Ala629Asn)

Gene: POLE (DNA polymerase epsilon, catalytic subunit; minus strand). Cytogenetic location: 12q24.33.
Variant type: Indel.
Coding change: c.1885_1886delinsAA on transcript NM_006231.4 (MANE Select); coding-DNA positions 1885 to 1886, GC replaced by AA.
Protein change: p.Ala629Asn; replaces alanine 629 with asparagine.
Molecular consequence: missense variant.
Genome position (GRCh38, 1-based): chr12:132,668,848-132,668,849, GC replaced by TT on the plus strand (GC replaced by AA on the coding strand, the reverse complement: POLE is on the minus strand). VCF-style: chr12-132668848-GC-TT. GRCh37 (hg19) VCF-style: chr12-133245434-GC-TT.
Other names: short protein forms A629N.
Identifiers: ClinVar variation 4841487 (VCV004841487.1).
Genomic context (GRCh38, chr12:132,668,848, plus strand): 5'-TGACACGGGAAGTAAAGTCTCACCTGCAGGCGGTTGGTCAGGATGATGTTGGGGTACATG[GC>TT]CCCCACGTCCAGGTGGTAGATGAGTGGACACTCGATGCGGCTGGGAACGTCCTTCAGGGA-3'
Protein context (NP_006222.2, residues 619-639): CPLIYHLDVG[Ala629Asn]MYPNIILTNR